The following is an entry in ClinVar:

NM_013382.7(POMT2):c.1046G>A (p.Arg349Gln)

Gene: POMT2 (protein O-mannosyltransferase 2; minus strand). Cytogenetic location: 14q24.3.
Variant type: single nucleotide variant.
Coding change: c.1046G>A on transcript NM_013382.7 (MANE Select); coding-DNA position 1046, G replaced by A.
Protein change: p.Arg349Gln; replaces arginine 349 with glutamine.
Molecular consequence: missense variant.
Genome position (GRCh38, 1-based): chr14:77,296,234, C>T on the plus strand (G>A on the coding strand, the complement: POMT2 is on the minus strand). VCF-style: chr14-77296234-C-T. GRCh37 (hg19) VCF-style: chr14-77762577-C-T.
Other names: short protein forms R349Q.
Identifiers: ClinVar variation 289594 (VCV000289594.13), dbSNP rs756055923, ClinGen allele CA7286003.

ClinVar aggregate classification (germline): Uncertain significance. Review status: criteria provided, multiple submitters, no conflicts (2 of 4 stars). 4 submissions from 4 submitters: Uncertain significance (4). Last evaluated 2022-08-23.

Conditions:
Muscular dystrophy-dystroglycanopathy (congenital with brain and eye anomalies), type A2. Also called: WALKER-WARBURG SYNDROME OR MUSCLE-EYE-BRAIN DISEASE, POMT2-RELATED; MUSCULAR DYSTROPHY-DYSTROGLYCANOPATHY (CONGENITAL WITH BRAIN AND EYE ANOMALIES), TYPE A, 2. Identifiers: Orphanet 588, Orphanet 899, MedGen C3150411, MONDO:0013154, OMIM 613150.
Muscular dystrophy-dystroglycanopathy (congenital with impaired intellectual development), type B, 2. Also called: Muscular dystrophy-dystroglycanopathy (congenital with intellectual disability), type B2; MUSCULAR DYSTROPHY, CONGENITAL, POMT2-RELATED. Identifiers: MedGen C3150416, MONDO:0013160, OMIM 613156.
Autosomal recessive limb-girdle muscular dystrophy type 2N. Also called: MUSCULAR DYSTROPHY-DYSTROGLYCANOPATHY, LIMB-GIRDLE, POMT2-RELATED; Muscular dystrophy-dystroglycanopathy (limb-girdle), type C, 2. Identifiers: Orphanet 206559, MedGen C3150418, MONDO:0013162, OMIM 613158.

Allele frequency attached by ClinVar (database versions not stated): gnomAD 0.00002; TOPMed 0.00004; ExAC 0.00001.

Submissions (4):

Labcorp Genetics (formerly Invitae), Labcorp
Classification: Uncertain significance for Muscular dystrophy-dystroglycanopathy (congenital with impaired intellectual development), type B, 2; Muscular dystrophy-dystroglycanopathy (congenital with brain and eye anomalies), type A2; Autosomal recessive limb-girdle muscular dystrophy type 2N. Last evaluated: 2022-08-23. Review status: criteria provided, single submitter. Criteria: Invitae Variant Classification Sherloc (09022015). Collection method: clinical testing. Allele origin: germline.
Comment: This sequence change replaces arginine, which is basic and polar, with glutamine, which is neutral and polar, at codon 349 of the POMT2 protein (p.Arg349Gln). This variant is present in population databases (rs756055923, gnomAD 0.007%). This variant has not been reported in the literature in individuals affected with POMT2-related conditions. ClinVar contains an entry for this variant (Variation ID: 289594). Algorithms developed to predict the effect of missense changes on protein structure and function output the following: SIFT: "Tolerated"; PolyPhen-2: "Benign"; Align-GVGD: "Class C0". The glutamine amino acid residue is found in multiple mammalian species, which suggests that this missense change does not adversely affect protein function. In summary, the available evidence is currently insufficient to determine the role of this variant in disease. Therefore, it has been classified as a Variant of Uncertain Significance.

Revvity Omics, Revvity
Classification: Uncertain significance. Last evaluated: 2022-06-28. Review status: criteria provided, single submitter. Criteria: ACMG Guidelines, 2015. Collection method: clinical testing. Allele origin: germline.

GeneDx
Classification: Uncertain significance. Last evaluated: 2019-11-19. Review status: criteria provided, single submitter. Criteria: GeneDx Variant Classification Process June 2021. Collection method: clinical testing. Allele origin: germline. Affected: yes.
Comment: Not observed at a significant frequency in large population cohorts (Lek et al., 2016); In silico analysis, which includes protein predictors and evolutionary conservation, supports a deleterious effect; Has not been previously published as pathogenic or benign to our knowledge; This variant is associated with the following publications: (PMID: 30564623)

Eurofins Ntd Llc (ga)
Classification: Uncertain significance. Last evaluated: 2016-07-29. Review status: criteria provided, single submitter. Criteria: EGL Classification Definitions 2015. Collection method: clinical testing. Allele origin: germline. Observed: 1 variant allele, 1 heterozygote.